The following is an entry in ClinVar:

ClinVar aggregate classification (germline): Benign. Review status: criteria provided, multiple submitters, no conflicts (2 of 4 stars). 4 submissions from 4 submitters: Benign (3). 1 of the submissions does not count toward it. Last evaluated 2026-02-01.

Conditions:
MLYCD-related disorder. Also called: MLYCD-related condition.
Deficiency of malonyl-CoA decarboxylase. Also called: Malonic aciduria; MCD deficiency. Identifiers: Orphanet 943, MedGen C0342793, MONDO:0009556, OMIM 248360.

Allele frequency attached by ClinVar (database versions not stated): 1000 Genomes Project 30x 0.00265; 1000 Genomes Project 0.00280; gnomAD 0.00004 and 0.00048; TOPMed 0.00012; gnomAD exomes 0.00086 and 0.00153; ExAC 0.00178.
gnomAD v4.1: 1,349 of 1,614,040 alleles (0.084%); highest among the groups gnomAD compares: South Asian, 1.1%; 19 homozygotes.

Submissions (4):

Labcorp Genetics (formerly Invitae), Labcorp
Classification: Benign for Deficiency of malonyl-CoA decarboxylase. Last evaluated: 2026-02-01. Review status: criteria provided, single submitter. Criteria: Invitae Variant Classification Sherloc (09022015). Collection method: clinical testing. Allele origin: germline.

CeGaT Center for Human Genetics Tuebingen
Classification: Benign. Last evaluated: 2025-07-01. Review status: criteria provided, single submitter. Criteria: CeGaT Center For Human Genetics Tuebingen Variant Classification Criteria Version 2. Collection method: clinical testing. Allele origin: germline. Affected: yes. Observed: 2 variant alleles.
Comment: MLYCD: BP4, BP7, BS1, BS2

Illumina Laboratory Services, Illumina
Classification: Benign for Deficiency of malonyl-CoA decarboxylase. Last evaluated: 2018-01-13. Review status: criteria provided, single submitter. Criteria: ICSL Variant Classification Criteria 13 December 2019. Collection method: clinical testing. Allele origin: germline.
Comment: This variant was observed in the ICSL laboratory as part of a predisposition screen in an ostensibly healthy population. It had not been previously curated by ICSL or reported in the Human Gene Mutation Database (HGMD: prior to June 1st, 2018), and was therefore a candidate for classification through an automated scoring system. Utilizing variant allele frequency, disease prevalence and penetrance estimates, and inheritance mode, an automated score was calculated to assess if this variant is too frequent to cause the disease. Based on the score and internal cut-off values, a variant classified as benign is not then subjected to further curation. The score for this variant resulted in a classification of benign for this disease.

PreventionGenetics, part of Exact Sciences
Classification: Benign for MLYCD-related condition. Last evaluated: 2019-05-10. Review status: no assertion criteria provided. Collection method: clinical testing. Allele origin: germline. Not counted in ClinVar's aggregate classification.
Comment: This variant is classified as benign based on ACMG/AMP sequence variant interpretation guidelines (Richards et al. 2015 PMID: 25741868, with internal and published modifications).

NM_012213.3(MLYCD):c.1203G>A (p.Leu401=)

Gene: MLYCD (malonyl-CoA decarboxylase; plus strand). Cytogenetic location: 16q23.3.
Variant type: single nucleotide variant.
Coding change: c.1203G>A on transcript NM_012213.3 (MANE Select); coding-DNA position 1203, G replaced by A.
Protein change: p.Leu401=; no amino-acid change (leucine 401 retained).
Molecular consequence: synonymous variant.
Genome position (GRCh38, 1-based): chr16:83,915,210, G>A. VCF-style: chr16-83915210-G-A. GRCh37 (hg19) VCF-style: chr16-83948815-G-A.
Identifiers: ClinVar variation 320734 (VCV000320734.23), dbSNP rs200341673, ClinGen allele CA8197548.